The following is an entry in ClinVar:

ClinVar aggregate classification (germline): Uncertain significance (1 of 4 stars; one submission).

Conditions:
Cardiovascular phenotype. Identifiers: MedGen CN230736.
Hereditary cancer-predisposing syndrome. Also called: Neoplastic Syndromes, Hereditary; Tumor predisposition; Hereditary Cancer Syndrome; Hereditary neoplastic syndrome. Identifiers: Orphanet 140162, MedGen C0027672, MeSH D009386, MONDO:0015356.

Submission:

Ambry Genetics
Classification: Uncertain significance for Cardiovascular phenotype; Hereditary cancer-predisposing syndrome. Last evaluated: 2026-05-05. Review status: criteria provided, single submitter. Criteria: Ambry Variant Classification Scheme 2023. Collection method: clinical testing. Allele origin: germline.
Comment: The p.L1985M variant (also known as c.5953C>A), located in coding exon 40 of the NF1 gene, results from a C to A substitution at nucleotide position 5953. The leucine at codon 1985 is replaced by methionine, an amino acid with highly similar properties. This amino acid position is highly conserved in available vertebrate species. In addition, this alteration is predicted to be deleterious by in silico analysis. Based on the available evidence, the clinical significance of this variant remains unclear.

NM_001042492.3(NF1):c.6016C>A (p.Leu2006Met)

Gene: NF1 (neurofibromin 1; plus strand). Cytogenetic location: 17q11.2.
Variant type: single nucleotide variant.
Coding change: c.6016C>A on transcript NM_001042492.3 (MANE Select); coding-DNA position 6016, C replaced by A.
Protein change: p.Leu2006Met; replaces leucine 2006 with methionine.
Molecular consequence: missense variant.
Genome position (GRCh38, 1-based): chr17:31,336,342, C>A. VCF-style: chr17-31336342-C-A. GRCh37 (hg19) VCF-style: chr17-29663360-C-A.
Other names: c.5953C>A, p.Leu1985Met (NM_000267.4); short protein forms L1985M, L2006M.
Identifiers: ClinVar variation 4860944 (VCV004860944.1).